The following is an entry in ClinVar:

NM_003442.6(ZNF143):c.1681G>C (p.Glu561Gln)

Gene: ZNF143 (zinc finger protein 143; plus strand). Cytogenetic location: 11p15.4.
Variant type: single nucleotide variant.
Coding change: c.1681G>C on transcript NM_003442.6 (MANE Select); coding-DNA position 1681, G replaced by C.
Protein change: p.Glu561Gln; replaces glutamic acid 561 with glutamine.
Molecular consequence: missense variant.
Genome position (GRCh38, 1-based): chr11:9,516,357, G>C. VCF-style: chr11-9516357-G-C. GRCh37 (hg19) VCF-style: chr11-9537904-G-C.
Other names: p.Glu561Gln; c.1678G>C, p.Glu560Gln (NM_001282656.2); c.1588G>C, p.Glu530Gln (NM_001282657.2); short protein forms E530Q, E560Q, E561Q.
Identifiers: ClinVar variation 1288298 (VCV001288298.13), dbSNP rs10743108, ClinGen allele CA5879702.

ClinVar aggregate classification (germline): Benign. Review status: criteria provided, multiple submitters, no conflicts (2 of 4 stars). 5 submissions from 5 submitters: Benign (4). 1 of the submissions does not count toward it. Last evaluated 2026-02-03.

Conditions:
ZNF143-related disorder. Also called: ZNF143-related condition.

Allele frequency attached by ClinVar (database versions not stated): 1000 Genomes Project 0.90116; gnomAD 0.95921 and 0.95347; gnomAD exomes 0.91721 and 0.95843; 1000 Genomes Project 30x 0.90537; ExAC 0.92610; TOPMed 0.94766; ESP Exome Variant Server 0.97791.
gnomAD v4.1: 1,542,746 of 1,610,650 alleles (96%); highest among the groups gnomAD compares: Middle Eastern, 98%; 741,712 homozygotes.

Submissions (5):

Labcorp Genetics (formerly Invitae), Labcorp
Classification: Benign. Last evaluated: 2026-02-03. Review status: criteria provided, single submitter. Criteria: Invitae Variant Classification Sherloc (09022015). Collection method: clinical testing. Allele origin: germline.

Mayo Clinic Laboratories, Mayo Clinic
Classification: Benign. Last evaluated: 2025-07-25. Review status: criteria provided, single submitter. Criteria: ACMG Guidelines, 2015. Collection method: clinical testing. Allele origin: germline. Observed: 100 variant alleles.

GeneDx
Classification: Benign. Last evaluated: 2021-05-05. Review status: criteria provided, single submitter. Criteria: GeneDx Variant Classification Process June 2021. Collection method: clinical testing. Allele origin: germline. Affected: yes.
Comment: This variant is associated with the following publications: (PMID: 25854761)

Breakthrough Genomics
Classification: Benign. Review status: criteria provided, single submitter. Criteria: ACMG Guidelines, 2015. Collection method: not provided. Allele origin: germline. Inheritance: Unknown mechanism. Affected: yes.

PreventionGenetics, part of Exact Sciences
Classification: Benign for ZNF143-related condition. Last evaluated: 2020-08-26. Review status: no assertion criteria provided. Collection method: clinical testing. Allele origin: germline. Not counted in ClinVar's aggregate classification.
Comment: This variant is classified as benign based on ACMG/AMP sequence variant interpretation guidelines (Richards et al. 2015 PMID: 25741868, with internal and published modifications).